The following is an entry in ClinVar:

ClinVar aggregate classification (germline): Benign. Review status: criteria provided, multiple submitters, no conflicts (2 of 4 stars). 11 submissions from 10 submitters: Benign (8). 3 of the submissions do not count toward it. Last evaluated 2026-02-03.

Conditions:
Dilated cardiomyopathy 1L (CMD1L). Identifiers: Orphanet 154, MedGen C1847667, MONDO:0011702, OMIM 606685.
Autosomal recessive limb-girdle muscular dystrophy type 2F (LGMDR6). Also called: Muscular dystrophy limb-girdle with delta-sarcoglyan deficiency; MUSCULAR DYSTROPHY, LIMB-GIRDLE, AUTOSOMAL RECESSIVE 6. Identifiers: Orphanet 219, MedGen C1832525, MONDO:0011028, OMIM 601287. Disease mechanism: Affects gamma-sarcoglycan and also disrupts the integrity of the entire sarcoglycan complex..

Allele frequency attached by ClinVar (database versions not stated): gnomAD exomes 0.00499; ExAC 0.00588; ESP Exome Variant Server 0.01798; 1000 Genomes Project 0.01957; gnomAD 0.02068 and 0.02231; 1000 Genomes Project 30x 0.02124; TOPMed 0.02351.
gnomAD v4.1: 5,857 of 1,607,908 alleles (0.36%); highest among the groups gnomAD compares: African/African-American, 6.8%; 185 homozygotes.

Submissions (11):

Labcorp Genetics (formerly Invitae), Labcorp
Classification: Benign for Autosomal recessive limb-girdle muscular dystrophy type 2F. Last evaluated: 2026-02-03. Review status: criteria provided, single submitter. Criteria: Invitae Variant Classification Sherloc (09022015). Collection method: clinical testing. Allele origin: germline.

Genome-Nilou Lab
Classification: Benign for Autosomal recessive limb-girdle muscular dystrophy type 2F. Last evaluated: 2023-02-08. Review status: criteria provided, single submitter. Criteria: ACMG Guidelines, 2015. Collection method: clinical testing. Allele origin: germline.

Genome-Nilou Lab
Classification: Benign for Dilated cardiomyopathy 1L. Last evaluated: 2023-02-08. Review status: criteria provided, single submitter. Criteria: ACMG Guidelines, 2015. Collection method: clinical testing. Allele origin: germline.

ARUP Laboratories, Molecular Genetics and Genomics, ARUP Laboratories
Classification: Benign. Last evaluated: 2022-09-20. Review status: criteria provided, single submitter. Criteria: ARUP Molecular Germline Variant Investigation Process 2021. Collection method: clinical testing. Allele origin: germline.

Women's Health and Genetics/Laboratory Corporation of America, LabCorp
Classification: Benign. Last evaluated: 2019-11-18. Review status: criteria provided, single submitter. Criteria: LabCorp Variant Classification Summary - May 2015. Collection method: clinical testing. Allele origin: germline.
Comment: Variant summary: SGCD c.700-19T>C alters a conserved nucleotide located close to a canonical splice site and therefore could affect mRNA splicing, leading to a significantly altered protein sequence. 5/5 computational tools predict no significant impact on normal splicing. However, these predictions have yet to be confirmed by functional studies. The variant allele was found at a frequency of 0.005 in 248096 control chromosomes, predominantly at a frequency of 0.068 within the African or African-American subpopulation in the gnomAD database, including 39 homozygotes. The observed variant frequency within African or African-American control individuals in the gnomAD database is approximately 2720-fold the estimated maximal pathogenic allele frequency expected for a variant in SGCD causing Cardiomyopathy phenotype (2.5e-05), strongly suggesting that the variant is a benign polymorphism found primarily in populations of African or African-American origin. To our knowledge, no occurrence of c.700-19T>C in individuals affected with Cardiomyopathy and no experimental evidence demonstrating an impact on protein function have been reported. One clinical diagnostic laboratory has submitted clinical-significance assessments for this variant to ClinVar after 2014 without evidence for independent evaluation and cited the variant as benign. Based on the evidence outlined above, the variant was classified as benign.

Eurofins Ntd Llc (ga)
Classification: Benign. Last evaluated: 2017-02-02. Review status: criteria provided, single submitter. Criteria: EGL Classification Definitions 2015. Collection method: clinical testing. Allele origin: germline. Observed: 1 variant allele, 1 homozygote.

GeneDx
Classification: Benign. Last evaluated: 2015-03-03. Review status: criteria provided, single submitter. Criteria: GeneDx Variant Classification Process June 2021. Collection method: clinical testing. Allele origin: germline. Affected: yes.

PreventionGenetics, part of Exact Sciences
Classification: Benign. Review status: criteria provided, single submitter. Criteria: ACMG Guidelines, 2015. Collection method: clinical testing. Allele origin: germline.

Clinical Genetics DNA and cytogenetics Diagnostics Lab, Erasmus MC, Erasmus Medical Center
Classification: Benign. Review status: no assertion criteria provided. Collection method: clinical testing. Allele origin: germline. Affected: yes. Study: VKGL Data-share Consensus. Not counted in ClinVar's aggregate classification.

Clinical Genetics, Academic Medical Center
Classification: Benign. Review status: no assertion criteria provided. Collection method: clinical testing. Allele origin: germline. Affected: yes. Study: VKGL Data-share Consensus. Not counted in ClinVar's aggregate classification.

Genome Diagnostics Laboratory, University Medical Center Utrecht
Classification: Benign. Review status: no assertion criteria provided. Collection method: clinical testing. Allele origin: germline. Affected: yes. Study: VKGL Data-share Consensus. Not counted in ClinVar's aggregate classification.

NM_000337.6(SGCD):c.700-19T>C

Gene: SGCD (sarcoglycan delta; plus strand). Cytogenetic location: 5q33.3.
Variant type: single nucleotide variant.
Coding change: c.700-19T>C on transcript NM_000337.6 (MANE Select); 19 bases into the intron before coding-DNA position 700, T replaced by C.
Molecular consequence: intron variant.
Genome position (GRCh38, 1-based): chr5:156,759,198, T>C. VCF-style: chr5-156759198-T-C. GRCh37 (hg19) VCF-style: chr5-156186209-T-C.
Other names: c.697-19T>C (NM_001128209.2).
Identifiers: ClinVar variation 255871 (VCV000255871.33), dbSNP rs80086857, ClinGen allele CA3530679.